The following is an entry in ClinVar:

NM_001164508.2(NEB):c.19993C>T (p.Pro6665Ser)

Gene: NEB (nebulin; minus strand). Cytogenetic location: 2q23.3.
Variant type: single nucleotide variant.
Coding change: c.19993C>T on transcript NM_001164508.2 (MANE Select); coding-DNA position 19993, C replaced by T.
Protein change: p.Pro6665Ser; replaces proline 6665 with serine.
Molecular consequence: missense variant.
Genome position (GRCh38, 1-based): chr2:151,549,692, G>A on the plus strand (C>T on the coding strand, the complement: NEB is on the minus strand). VCF-style: chr2-151549692-G-A. GRCh37 (hg19) VCF-style: chr2-152406206-G-A.
Other names: c.19993C>T, p.Pro6665Ser (NM_001164507.2, NM_001271208.2); c.14890C>T, p.Pro4964Ser (NM_004543.5); c.14890C>T (NM_004543.4); short protein forms P6665S, P4964S.
Identifiers: ClinVar variation 533999 (VCV000533999.17), dbSNP rs751724804, ClinGen allele CA1907465.

ClinVar aggregate classification (germline): Conflicting classifications of pathogenicity. Review status: criteria provided, conflicting classifications (1 of 4 stars). 7 submissions from 7 submitters: Uncertain significance (5); Likely benign (1). 1 of the submissions does not count toward it. Last evaluated 2026-01-16.

Conditions:
Nemaline myopathy 2 (NEM2). Also called: Nemaline myopathy 2, autosomal recessive. Identifiers: MedGen C1850569, MONDO:0009725, OMIM 256030.
Inborn genetic diseases. Identifiers: MedGen C0950123, MeSH D030342.

Allele frequency attached by ClinVar (database versions not stated): gnomAD exomes 0.00004; gnomAD 0.00005 and 0.00008; ExAC 0.00008; TOPMed 0.00017.
gnomAD v4.1: 83 of 1,600,754 alleles (0.0052%); highest among the groups gnomAD compares: Middle Eastern, 0.41%; 1 homozygote.

Submissions (7):

Labcorp Genetics (formerly Invitae), Labcorp
Classification: Likely benign for Nemaline myopathy 2. Last evaluated: 2026-01-16. Review status: criteria provided, single submitter. Criteria: Invitae Variant Classification Sherloc (09022015). Collection method: clinical testing. Allele origin: germline.

Women's Health and Genetics/Laboratory Corporation of America, LabCorp
Classification: Uncertain significance. Last evaluated: 2025-11-25. Review status: criteria provided, single submitter. Criteria: LabCorp Variant Classification Summary - May 2015. Collection method: clinical testing. Allele origin: germline.
Comment: Variant summary: NEB c.19993C>T (p.Pro6665Ser) results in a non-conservative amino acid change in the encoded protein sequence. Algorithms developed to predict the effect of missense changes on protein structure and function are either unavailable or do not agree on the potential impact of this missense change. The variant allele was found at a frequency of 4.4e-05 in 227568 control chromosomes. This frequency is not significantly higher than estimated for disease-causing variants in NEB, allowing no conclusion about variant significance. To our knowledge, no occurrence of c.19993C>T in individuals affected with NEB-related conditions and no experimental evidence demonstrating its impact on protein function have been reported. ClinVar contains an entry for this variant (Variation ID: 533999). Based on the evidence outlined above, the variant was classified as uncertain significance.

Ambry Genetics
Classification: Uncertain significance for Inborn genetic diseases. Last evaluated: 2025-08-29. Review status: criteria provided, single submitter. Criteria: Ambry Variant Classification Scheme 2023. Collection method: clinical testing. Allele origin: germline.

Blueprint Genetics
Classification: Uncertain significance. Last evaluated: 2024-11-12. Review status: criteria provided, single submitter. Criteria: ACMG Guidelines, 2015. Collection method: clinical testing. Allele origin: germline.

AiLife Diagnostics
Classification: Uncertain significance. Last evaluated: 2021-07-16. Review status: criteria provided, single submitter. Criteria: ACMG Guidelines, 2015. Collection method: clinical testing. Allele origin: germline. Affected: yes. Observed: 1 variant allele.

Revvity Omics, Revvity
Classification: Uncertain significance. Last evaluated: 2019-10-16. Review status: criteria provided, single submitter. Criteria: ACMG Guidelines, 2015. Collection method: clinical testing. Allele origin: germline.

Natera, Inc.
Classification: Uncertain significance for Nemaline myopathy type 2. Last evaluated: 2020-01-17. Review status: no assertion criteria provided. Collection method: clinical testing. Allele origin: germline. Not counted in ClinVar's aggregate classification.